The following is an entry in ClinVar:

NM_007055.4(POLR3A):c.1802T>A (p.Phe601Tyr)

Gene: POLR3A (RNA polymerase III subunit A; minus strand). Cytogenetic location: 10q22.3.
Variant type: single nucleotide variant.
Coding change: c.1802T>A on transcript NM_007055.4 (MANE Select); coding-DNA position 1802, T replaced by A.
Protein change: p.Phe601Tyr; replaces phenylalanine 601 with tyrosine.
Molecular consequence: missense variant.
Genome position (GRCh38, 1-based): chr10:78,009,644, A>T on the plus strand (T>A on the coding strand, the complement: POLR3A is on the minus strand). VCF-style: chr10-78009644-A-T. GRCh37 (hg19) VCF-style: chr10-79769402-A-T.
Other names: short protein forms F601Y.
Identifiers: ClinVar variation 1304432 (VCV001304432.4), dbSNP rs1278152116, ClinGen allele CA377340823.

ClinVar aggregate classification (germline): Uncertain significance. Review status: criteria provided, multiple submitters, no conflicts (2 of 4 stars). 2 submissions from 2 submitters: Uncertain significance (2). Last evaluated 2022-11-19.

Conditions:
Inborn genetic diseases. Identifiers: MedGen C0950123, MeSH D030342.

Allele frequency attached by ClinVar (database versions not stated): gnomAD exomes 0.00001; TOPMed 0.00001; gnomAD 0.00002.
gnomAD v4.1: 20 of 1,614,030 alleles (0.0012%); highest among the groups gnomAD compares: Non-Finnish European, 0.0015%; no homozygotes.

Submissions (2):

Ambry Genetics
Classification: Uncertain significance for Inborn genetic diseases. Last evaluated: 2022-11-19. Review status: criteria provided, single submitter. Criteria: Ambry Variant Classification Scheme 2023. Collection method: clinical testing. Allele origin: germline.

GeneDx
Classification: Uncertain significance. Last evaluated: 2018-12-28. Review status: criteria provided, single submitter. Criteria: GeneDx Variant Classification Process June 2021. Collection method: clinical testing. Allele origin: germline. Affected: yes.
Comment: In silico analysis, which includes protein predictors and evolutionary conservation, supports that this variant does not alter protein structure/function; Has not been previously published as pathogenic or benign to our knowledge